The following is an entry in ClinVar:

ClinVar aggregate classification (germline): Uncertain significance (1 of 4 stars; one submission).

Conditions:
Granulomatous disease, chronic, autosomal recessive, cytochrome b-positive, type 2. Also called: GRANULOMATOUS DISEASE, CHRONIC, AUTOSOMAL RECESSIVE, 2; Chronic granulomatous disease due to deficiency of NCF-2; CGD, AUTOSOMAL RECESSIVE CYTOCHROME b-POSITIVE, TYPE II; GRANULOMATOUS DISEASE, CHRONIC, DUE TO NCF2 DEFICIENCY; Chronic Granulomatous Disease, Autosomal Recessive, Cytochrome b-Positive, Type II. Identifiers: Orphanet 379, MedGen C1856245, MONDO:0009310, OMIM 233710.

Allele frequency attached by ClinVar (database versions not stated): gnomAD exomes 0.00002 and 0.00004; ExAC 0.00003; TOPMed 0.00005; ESP Exome Variant Server 0.00008; gnomAD 0.00008 and 0.00010; 1000 Genomes Project 30x 0.00031.
gnomAD v4.1: 53 of 1,614,158 alleles (0.0033%); highest among the groups gnomAD compares: Middle Eastern, 0.082%; no homozygotes.

Submission:

Labcorp Genetics (formerly Invitae), Labcorp
Classification: Uncertain significance for Granulomatous disease, chronic, autosomal recessive, cytochrome b-positive, type 2. Last evaluated: 2022-04-23. Review status: criteria provided, single submitter. Criteria: Invitae Variant Classification Sherloc (09022015). Collection method: clinical testing. Allele origin: germline.
Comment: This sequence change replaces alanine, which is neutral and non-polar, with threonine, which is neutral and polar, at codon 515 of the NCF2 protein (p.Ala515Thr). This variant is present in population databases (rs369006606, gnomAD 0.01%). This variant has not been reported in the literature in individuals affected with NCF2-related conditions. ClinVar contains an entry for this variant (Variation ID: 641631). Algorithms developed to predict the effect of missense changes on protein structure and function output the following: SIFT: "Tolerated"; PolyPhen-2: "Benign"; Align-GVGD: "Class C0". The threonine amino acid residue is found in multiple mammalian species, which suggests that this missense change does not adversely affect protein function. In summary, the available evidence is currently insufficient to determine the role of this variant in disease. Therefore, it has been classified as a Variant of Uncertain Significance.

NM_000433.4(NCF2):c.1543G>A (p.Ala515Thr)

Gene: NCF2 (neutrophil cytosolic factor 2; minus strand). Cytogenetic location: 1q25.3.
Variant type: single nucleotide variant.
Coding change: c.1543G>A on transcript NM_000433.4 (MANE Select); coding-DNA position 1543, G replaced by A.
Protein change: p.Ala515Thr; replaces alanine 515 with threonine.
Molecular consequence: missense variant.
Genome position (GRCh38, 1-based): chr1:183,556,156, C>T on the plus strand (G>A on the coding strand, the complement: NCF2 is on the minus strand). VCF-style: chr1-183556156-C-T. GRCh37 (hg19) VCF-style: chr1-183525291-C-T.
Other names: c.1543G>A, p.Ala515Thr (NM_001127651.3); c.1300G>A, p.Ala434Thr (NM_001190789.2); c.1408G>A, p.Ala470Thr (NM_001190794.2); short protein forms A470T, A434T, A515T.
Identifiers: ClinVar variation 641631 (VCV000641631.4), dbSNP rs369006606, ClinGen allele CA1284570.
Genomic context (GRCh38, chr1:183,556,156, plus strand): 5'-GCTTTGTAGTTTGTGAAACATCCTAGACTTCTCTCCGAGTGCTTTCCAAATCTGTAGTTG[C>T]GCAGTCTTCAACAAAAACTTTGGGGAAAATGCCCACCTTCCCTTTGCACTCCCCTTCCAG-3'
Protein context (NP_000424.2, residues 505-525): IFPKVFVEDC[Ala515Thr]TTDLESTRRE